The following is an entry in ClinVar:

ClinVar aggregate classification (germline): Uncertain significance. Review status: criteria provided, multiple submitters, no conflicts (2 of 4 stars). 2 submissions from 2 submitters: Uncertain significance (2). Last evaluated 2023-11-13.

Conditions:
Mucopolysaccharidosis, MPS-II (MPS2). Also called: Attenuated MPS (subtype; formerly known as mild MPS II); Severe MPS II; I2S deficiency; MPS 2; Hunter Syndrome; IDURONATE 2-SULFATASE DEFICIENCY. Identifiers: Orphanet 580, Orphanet 79388, MedGen C0026705, MONDO:0010674, OMIM 309900.

Submissions (2):

GeneDx
Classification: Uncertain significance. Last evaluated: 2023-11-13. Review status: criteria provided, single submitter. Criteria: GeneDx Variant Classification Process June 2021. Collection method: clinical testing. Allele origin: germline. Affected: yes.
Comment: Not observed at significant frequency in large population cohorts (gnomAD); In silico analysis supports that this missense variant has a deleterious effect on protein structure/function; Has not been previously published as pathogenic or benign to our knowledge

Labcorp Genetics (formerly Invitae), Labcorp
Classification: Uncertain significance for Mucopolysaccharidosis, MPS-II. Last evaluated: 2023-02-16. Review status: criteria provided, single submitter. Criteria: Invitae Variant Classification Sherloc (09022015). Collection method: clinical testing. Allele origin: germline.
Comment: Advanced modeling of protein sequence and biophysical properties (such as structural, functional, and spatial information, amino acid conservation, physicochemical variation, residue mobility, and thermodynamic stability) performed at Invitae indicates that this missense variant is expected to disrupt IDS protein function. In summary, the available evidence is currently insufficient to determine the role of this variant in disease. Therefore, it has been classified as a Variant of Uncertain Significance. This variant has not been reported in the literature in individuals affected with IDS-related conditions. This sequence change replaces tyrosine, which is neutral and polar, with aspartic acid, which is acidic and polar, at codon 122 of the IDS protein (p.Tyr122Asp). This variant is not present in population databases (gnomAD no frequency).

NM_000202.8(IDS):c.364T>G (p.Tyr122Asp)

Gene: IDS (iduronate 2-sulfatase; minus strand). Cytogenetic location: Xq28.
Variant type: single nucleotide variant.
Coding change: c.364T>G on transcript NM_000202.8 (MANE Select); coding-DNA position 364, T replaced by G.
Protein change: p.Tyr122Asp; replaces tyrosine 122 with aspartic acid.
Molecular consequence: missense variant. On other transcripts: non-coding transcript variant (1).
Genome position (GRCh38, 1-based): chrX:149,503,366, A>C on the plus strand (T>G on the coding strand, the complement: IDS is on the minus strand). VCF-style: chrX-149503366-A-C. GRCh37 (hg19) VCF-style: chrX-148584896-A-C.
Other names: c.364T>G (NM_000202.4); c.94T>G, p.Tyr32Asp (NM_001166550.4); c.364T>G, p.Tyr122Asp (NM_006123.5); short protein forms Y122D, Y32D.
Identifiers: ClinVar variation 2838381 (VCV002838381.4), dbSNP rs2520895682, ClinGen allele CA414525981.